The following is an entry in ClinVar:

NM_000257.4(MYH7):c.1094A>C (p.Lys365Thr)

Gene: MYH7 (myosin heavy chain 7; minus strand). Cytogenetic location: 14q11.2.
Variant type: single nucleotide variant.
Coding change: c.1094A>C on transcript NM_000257.4 (MANE Select); coding-DNA position 1094, A replaced by C.
Protein change: p.Lys365Thr; replaces lysine 365 with threonine.
Molecular consequence: missense variant.
Genome position (GRCh38, 1-based): chr14:23,429,819, T>G on the plus strand (A>C on the coding strand, the complement: MYH7 is on the minus strand). VCF-style: chr14-23429819-T-G. GRCh37 (hg19) VCF-style: chr14-23899028-T-G.
Other names: short protein forms K365T.
Identifiers: ClinVar variation 1371660 (VCV001371660.6), dbSNP rs2138677318, ClinGen allele CA389051366.

ClinVar aggregate classification (germline): Uncertain significance (1 of 4 stars; one submission).

Conditions:
Hypertrophic cardiomyopathy. Also called: HYPERTROPHIC MYOCARDIOPATHY. Identifiers: Orphanet 217569, MedGen C0007194, MeSH D002312, MONDO:0005045, HP:0001639.

Submission:

Labcorp Genetics (formerly Invitae), Labcorp
Classification: Uncertain significance for Hypertrophic cardiomyopathy. Last evaluated: 2021-08-02. Review status: criteria provided, single submitter. Criteria: Invitae Variant Classification Sherloc (09022015). Collection method: clinical testing. Allele origin: germline.
Comment: This variant is not present in population databases (ExAC no frequency). This sequence change replaces lysine with threonine at codon 365 of the MYH7 protein (p.Lys365Thr). The lysine residue is highly conserved and there is a moderate physicochemical difference between lysine and threonine. This variant has not been reported in the literature in individuals affected with MYH7-related conditions. In summary, the available evidence is currently insufficient to determine the role of this variant in disease. Therefore, it has been classified as a Variant of Uncertain Significance. This variant is found within a region of MYH7 between codons 181 and 937 that contains the majority of the myosin head domain. Missense variants in this region have been shown to be significantly overrepresented in individuals with hypertrophic cardiomyopathy (PMID: 27532257). Algorithms developed to predict the effect of missense changes on protein structure and function are either unavailable or do not agree on the potential impact of this missense change (SIFT: "Deleterious"; PolyPhen-2: "Probably Damaging"; Align-GVGD: "Class C0").

Literature cited by the submitters: PubMed 27532257.